The following is an entry in ClinVar:

NM_006214.4(PHYH):c.732_739del (p.Arg245fs)

Gene: PHYH (phytanoyl-CoA 2-hydroxylase; minus strand). Cytogenetic location: 10p13.
Variant type: Deletion.
Coding change: c.732_739del on transcript NM_006214.4 (MANE Select); coding-DNA positions 732 to 739, 8 bases deleted (CCGGGTGC; older notation c.732_739delCCGGGTGC).
Protein change: p.Arg245fs; shifts the reading frame from arginine 245.
Molecular consequence: frameshift variant.
Genome position (GRCh38, 1-based): chr10:13,283,779-13,283,786, GCACCCGG deleted on the plus strand (CCGGGTGC on the coding strand, the reverse complement: PHYH is on the minus strand); deleting any 8 consecutive bases within chr10:13,283,779-13,283,788 gives the same sequence; the c. name uses the placement nearest the transcript's 3' end. VCF-style (leftmost placement, unchanged base first): chr10-13283778-TGCACCCGG-T. GRCh37 (hg19) VCF-style: chr10-13325778-TGCACCCGG-T.
Other names: c.432_439del, p.Arg145fs (NM_001037537.2, NM_001323080.2); c.738_745del, p.Arg247fs (NM_001323082.2); c.468_475del, p.Arg157fs (NM_001323083.2); c.438_445del, p.Arg147fs (NM_001323084.2); short protein forms R147fs, R157fs, R245fs, R145fs, R247fs.
Identifiers: ClinVar variation 2114712 (VCV002114712.4), dbSNP rs2538635051, ClinGen allele CA2580081340.

ClinVar aggregate classification (germline): Pathogenic (1 of 4 stars; one submission).

Submission:

Labcorp Genetics (formerly Invitae), Labcorp
Classification: Pathogenic. Last evaluated: 2022-03-23. Review status: criteria provided, single submitter. Criteria: Invitae Variant Classification Sherloc (09022015). Collection method: clinical testing. Allele origin: germline.
Comment: This sequence change creates a premature translational stop signal (p.Arg245Profs*23) in the PHYH gene. It is expected to result in an absent or disrupted protein product. Loss-of-function variants in PHYH are known to be pathogenic (PMID: 9326940, 14974078). For these reasons, this variant has been classified as Pathogenic. This variant has not been reported in the literature in individuals affected with PHYH-related conditions. This variant is not present in population databases (gnomAD no frequency).

Literature cited by the submitters: PubMed 9326940; PubMed 14974078.